The following is an entry in ClinVar:

NM_000939.4(POMC):c.498C>T (p.Asp166=)

Gene: POMC (proopiomelanocortin; minus strand). Cytogenetic location: 2p23.3.
Variant type: single nucleotide variant.
Coding change: c.498C>T on transcript NM_000939.4 (MANE Select); coding-DNA position 498, C replaced by T.
Protein change: p.Asp166=; no amino-acid change (aspartic acid 166 retained).
Molecular consequence: synonymous variant.
Genome position (GRCh38, 1-based): chr2:25,161,387, G>A on the plus strand (C>T on the coding strand, the complement: POMC is on the minus strand). VCF-style: chr2-25161387-G-A. GRCh37 (hg19) VCF-style: chr2-25384256-G-A.
Other names: c.498C>T, p.Asp166= (NM_001035256.3, NM_001319204.2, NM_001319205.2); c.498C>T (NM_000939.3).
Identifiers: ClinVar variation 895580 (VCV000895580.11), dbSNP rs760352559, ClinGen allele CA1555289.

ClinVar aggregate classification (germline): Conflicting classifications of pathogenicity. Review status: criteria provided, conflicting classifications (1 of 4 stars). 5 submissions from 4 submitters: Uncertain significance (2); Likely benign (2). 1 of the submissions does not count toward it. Last evaluated 2024-10-17.

Conditions:
Obesity. Also called: Obesity disorder. Identifiers: Orphanet 71529, MedGen C0028754, MeSH D009765, MONDO:0011122, HP:0001513.
Obesity due to pro-opiomelanocortin deficiency. Also called: Obesity, adrenal insufficiency, and red hair due to POMC deficiency; OBESITY, EARLY-ONSET, WITH ADRENAL INSUFFICIENCY AND RED HAIR; PROOPIOMELANOCORTIN DEFICIENCY. Identifiers: Orphanet 71526, MedGen C1857854, MONDO:0012335, OMIM 609734.
POMC-related disorder. Also called: POMC-related condition; POMC-related disorders.

Allele frequency attached by ClinVar (database versions not stated): gnomAD exomes 0.00002 and 0.00003; gnomAD 0.00003; ExAC 0.00005; TOPMed 0.00001.

Submissions (5):

Labcorp Genetics (formerly Invitae), Labcorp
Classification: Likely benign. Last evaluated: 2024-10-17. Review status: criteria provided, single submitter. Criteria: Invitae Variant Classification Sherloc (09022015). Collection method: clinical testing. Allele origin: germline.

Blueprint Genetics
Classification: Likely benign. Last evaluated: 2024-09-05. Review status: criteria provided, single submitter. Criteria: ACMG Guidelines, 2015. Collection method: clinical testing. Allele origin: germline.

Illumina Laboratory Services, Illumina
Classification: Uncertain significance for Obesity due to pro-opiomelanocortin deficiency. Last evaluated: 2017-04-28. Review status: criteria provided, single submitter. Criteria: ICSL Variant Classification Criteria 13 December 2019. Collection method: clinical testing. Allele origin: germline.

Illumina Laboratory Services, Illumina
Classification: Uncertain significance for Inherited obesity. Last evaluated: 2017-04-28. Review status: criteria provided, single submitter. Criteria: ICSL Variant Classification Criteria 13 December 2019. Collection method: clinical testing. Allele origin: germline.

PreventionGenetics, part of Exact Sciences
Classification: Likely benign for POMC-related condition. Last evaluated: 2021-11-12. Review status: no assertion criteria provided. Collection method: clinical testing. Allele origin: germline. Not counted in ClinVar's aggregate classification.
Comment: This variant is classified as likely benign based on ACMG/AMP sequence variant interpretation guidelines (Richards et al. 2015 PMID: 25741868, with internal and published modifications).